The following is an entry in ClinVar:

NM_032043.3(BRIP1):c.508-10G>T

Gene: BRIP1 (BRCA1 interacting DNA helicase 1; minus strand). Cytogenetic location: 17q23.2.
Variant type: single nucleotide variant.
Coding change: c.508-10G>T on transcript NM_032043.3 (MANE Select); 10 bases into the intron before coding-DNA position 508, G replaced by T.
Molecular consequence: intron variant.
Genome position (GRCh38, 1-based): chr17:61,847,230, C>A on the plus strand (G>T on the coding strand, the complement: BRIP1 is on the minus strand). VCF-style: chr17-61847230-C-A. GRCh37 (hg19) VCF-style: chr17-59924591-C-A.
Identifiers: ClinVar variation 2951462 (VCV002951462.4), dbSNP rs2078749443, ClinGen allele CA2733697209.

ClinVar aggregate classification (germline): Likely benign. Review status: criteria provided, multiple submitters, no conflicts (2 of 4 stars). 2 submissions from 2 submitters: Likely benign (2). Last evaluated 2024-08-21.

Conditions:
Familial cancer of breast. Also called: BREAST CANCER, FAMILIAL; hereditary breast carcinoma; Hereditary breast cancer. Identifiers: Orphanet 227535, MedGen C0346153, MONDO:0016419, OMIM 114480. Disease mechanism: loss of function.
Fanconi anemia complementation group J. Also called: BRIP1-Related Fanconi Anemia. Identifiers: Orphanet 84, MedGen C1836860, MONDO:0012187, OMIM 609054.

Submissions (2):

Myriad Genetics, Inc.
Classification: Likely benign for Familial cancer of breast. Last evaluated: 2024-08-21. Review status: criteria provided, single submitter. Criteria: Myriad Autosomal Dominant, Autosomal Recessive and X-Linked Classification Criteria (2023). Collection method: clinical testing. Allele origin: unknown.
Comment: This variant is considered likely benign. This variant is intronic and is not expected to impact mRNA splicing.

Labcorp Genetics (formerly Invitae), Labcorp
Classification: Likely benign for Familial cancer of breast; Fanconi anemia complementation group J. Last evaluated: 2023-08-31. Review status: criteria provided, single submitter. Criteria: Invitae Variant Classification Sherloc (09022015). Collection method: clinical testing. Allele origin: germline.